The following is an entry in ClinVar:

ClinVar aggregate classification (germline): Pathogenic. Review status: reviewed by expert panel (3 of 4 stars). 4 submissions from 4 submitters: Pathogenic (1). 3 of the submissions do not count toward it. Last evaluated 2017-12-15.

Conditions:
Hereditary cancer-predisposing syndrome. Also called: Hereditary Cancer Syndrome; Tumor predisposition; Hereditary neoplastic syndrome; Neoplastic Syndromes, Hereditary. Identifiers: Orphanet 140162, MedGen C0027672, MeSH D009386, MONDO:0015356.
Breast-ovarian cancer, familial, susceptibility to, 2 (BROVCA2). Also called: BRCA2 Hereditary Breast and Ovarian Cancer. Identifiers: Orphanet 145, MedGen C2675520, MONDO:0012933, OMIM 612555. Disease mechanism: loss of function.
Hereditary breast ovarian cancer syndrome. Also called: Hereditary breast and ovarian cancer; Hereditary breast and ovarian cancer syndrome; Hereditary breast and ovarian cancer syndrome (HBOC); Hereditary breast and/or ovarian cancer syndrome; Breast and ovarian cancer; BRCA1- and BRCA2-Associated Hereditary Breast and Ovarian Cancer. Identifiers: Orphanet 145, MedGen C0677776, MeSH D061325, MONDO:0003582. Disease mechanism: loss of function.

Submissions (4):

Evidence-based Network for the Interpretation of Germline Mutant Alleles (ENIGMA)
Classification: Pathogenic for Breast-ovarian cancer, familial, susceptibility to, 2. Last evaluated: 2017-12-15. Review status: reviewed by expert panel. Criteria: ENIGMA BRCA1/2 Classification Criteria (2017-06-29). Collection method: curation. Allele origin: germline. Study: ENIGMA.
Comment: Variant allele predicted to encode a truncated non-functional protein.

Dasa
Classification: Pathogenic for Breast-ovarian cancer, familial, susceptibility to, 2. Last evaluated: 2026-03-12. Review status: criteria provided, single submitter. Criteria: DASA Assertion Criteria. Collection method: clinical testing. Allele origin: germline. Not counted in ClinVar's aggregate classification.
Comment: NM_000059.4(BRCA2):c.7819del (p.Thr2607Leufs*41) introduces a premature termination codon predicted to result in loss of normal protein function. Loss-of-function is an established mechanism of disease for this gene. Based on the available data, this variant is classified as pathogenic.

Labcorp Genetics (formerly Invitae), Labcorp
Classification: Pathogenic for Hereditary breast ovarian cancer syndrome. Last evaluated: 2022-02-20. Review status: criteria provided, single submitter. Criteria: Invitae Variant Classification Sherloc (09022015). Collection method: clinical testing. Allele origin: germline. Not counted in ClinVar's aggregate classification.
Comment: For these reasons, this variant has been classified as Pathogenic. ClinVar contains an entry for this variant (Variation ID: 409578). This premature translational stop signal has been observed in individual(s) with breast cancer and liver cancer (PMID: 30875412). This variant is not present in population databases (gnomAD no frequency). This sequence change creates a premature translational stop signal (p.Thr2607Leufs*41) in the BRCA2 gene. It is expected to result in an absent or disrupted protein product. Loss-of-function variants in BRCA2 are known to be pathogenic (PMID: 20104584).

Color Diagnostics, LLC DBA Color Health
Classification: Pathogenic for Hereditary cancer-predisposing syndrome. Last evaluated: 2020-05-14. Review status: criteria provided, single submitter. Criteria: ACMG Guidelines, 2015. Collection method: clinical testing. Allele origin: germline. Not counted in ClinVar's aggregate classification.
Comment: This variant deletes 1 nucleotide in exon 17 of the BRCA2 gene, creating a frameshift and premature translation stop signal. This variant is expected to result in an absent or non-functional protein product. To our knowledge, this variant has not been reported in individuals affected with hereditary cancer in the literature. This variant has not been identified in the general population by the Genome Aggregation Database (gnomAD). Loss of BRCA2 function is a known mechanism of disease. Based on the available evidence, this variant is classified as Pathogenic.

Literature cited by the submitters: PubMed 30875412 (cited by Labcorp Genetics (formerly Invitae), Labcorp); PubMed 20104584 (cited by Labcorp Genetics (formerly Invitae), Labcorp).

NM_000059.4(BRCA2):c.7819del (p.Thr2607fs)

Gene: BRCA2 (BRCA2 DNA repair associated; plus strand). Cytogenetic location: 13q13.1.
Variant type: Deletion.
Coding change: c.7819del on transcript NM_000059.4 (MANE Select); coding-DNA position 7819, one base deleted (A; older notation c.7819delA).
Protein change: p.Thr2607fs; shifts the reading frame from threonine 2607.
Molecular consequence: frameshift variant.
Genome position (GRCh38, 1-based): chr13:32,362,536, A deleted. VCF-style (leftmost placement, unchanged base first): chr13-32362535-CA-C. GRCh37 (hg19) VCF-style: chr13-32936672-CA-C.
Other names: c.7819delA (NM_000059.3); short protein forms T2607fs.
Identifiers: ClinVar variation 409578 (VCV000409578.12), dbSNP rs1060502478, ClinGen allele CA16613949.